The following is an entry in ClinVar:

ClinVar aggregate classification (germline): Uncertain significance. Review status: criteria provided, single submitter (1 of 4 stars). 2 submissions from 2 submitters: Uncertain significance (1). 1 of the submissions does not count toward it. Last evaluated 2022-11-18.

Conditions:
USP8-related disorder. Also called: USP8-related condition.
Hereditary spastic paraplegia. Also called: Familial spastic paraparesis. Identifiers: Orphanet 685, MedGen C0037773, MONDO:0019064. Disease mechanism: loss of function.

Allele frequency attached by ClinVar (database versions not stated): gnomAD exomes 0.00004; ExAC 0.00017; 1000 Genomes Project 0.00020; 1000 Genomes Project 30x 0.00031; gnomAD 0.00038; TOPMed 0.00039; ESP Exome Variant Server 0.00054.
gnomAD v4.1: 124 of 1,606,980 alleles (0.0077%); highest among the groups gnomAD compares: African/African-American, 0.13%; no homozygotes.

Submissions (2):

Labcorp Genetics (formerly Invitae), Labcorp
Classification: Uncertain significance for Hereditary spastic paraplegia. Last evaluated: 2022-11-18. Review status: criteria provided, single submitter. Criteria: Invitae Variant Classification Sherloc (09022015). Collection method: clinical testing. Allele origin: germline.
Comment: In summary, the available evidence is currently insufficient to determine the role of this variant in disease. Therefore, it has been classified as a Variant of Uncertain Significance. Algorithms developed to predict the effect of missense changes on protein structure and function are either unavailable or do not agree on the potential impact of this missense change (SIFT: "Tolerated"; PolyPhen-2: "Probably Damaging"; Align-GVGD: "Class C0"). This variant has not been reported in the literature in individuals affected with USP8-related conditions. This variant is present in population databases (rs148200969, gnomAD 0.2%), and has an allele count higher than expected for a pathogenic variant. This sequence change replaces arginine, which is basic and polar, with glutamine, which is neutral and polar, at codon 322 of the USP8 protein (p.Arg322Gln).

PreventionGenetics, part of Exact Sciences
Classification: Likely benign for USP8-related condition. Last evaluated: 2022-03-15. Review status: no assertion criteria provided. Collection method: clinical testing. Allele origin: germline. Not counted in ClinVar's aggregate classification.
Comment: This variant is classified as likely benign based on ACMG/AMP sequence variant interpretation guidelines (Richards et al. 2015 PMID: 25741868, with internal and published modifications).

NM_005154.5(USP8):c.965G>A (p.Arg322Gln)

Gene: USP8 (ubiquitin specific peptidase 8; plus strand). Cytogenetic location: 15q21.2.
Variant type: single nucleotide variant.
Coding change: c.965G>A on transcript NM_005154.5 (MANE Select); coding-DNA position 965, G replaced by A.
Protein change: p.Arg322Gln; replaces arginine 322 with glutamine.
Molecular consequence: missense variant.
Genome position (GRCh38, 1-based): chr15:50,476,964, G>A. VCF-style: chr15-50476964-G-A. GRCh37 (hg19) VCF-style: chr15-50769161-G-A.
Other names: c.965G>A (NM_005154.4); c.965G>A, p.Arg322Gln (NM_001128610.3); c.734G>A, p.Arg245Gln (NM_001283049.2); short protein forms R245Q, R322Q.
Identifiers: ClinVar variation 2852438 (VCV002852438.5), dbSNP rs148200969, ClinGen allele CA7555613.
Genomic context (GRCh38, chr15:50,476,964, plus strand): 5'-AAAACTGGCTCCTTTGTTATCCCCAGTATACAACAAATGCTAAGGTCACTCCACCCCCAC[G>A]ACGCCAGAATGAAGAGGTGTCTATCTCATGTATGTATGTGAAAATTTTTGTTTAAAATTG-3'
Protein context (NP_005145.3, residues 312-332): TTNAKVTPPP[Arg322Gln]RQNEEVSISL